The following is an entry in ClinVar:

ClinVar aggregate classification (germline): Uncertain significance (1 of 4 stars; one submission).

Submission:

CeGaT Center for Human Genetics Tuebingen
Classification: Uncertain significance. Last evaluated: 2024-10-01. Review status: criteria provided, single submitter. Criteria: CeGaT Center For Human Genetics Tuebingen Variant Classification Criteria Version 2. Collection method: clinical testing. Allele origin: germline. Affected: yes. Observed: 1 variant allele.
Comment: WT1: PM2, PM4

NM_024426.6(WT1):c.839_850del (p.Asp280_Thr283del)

Gene: WT1 (WT1 transcription factor; minus strand). Cytogenetic location: 11p13.
Variant type: Deletion.
Coding change: c.839_850del on transcript NM_024426.6 (MANE Select); coding-DNA positions 839 to 850, 12 bases deleted (ACAGCTGCACCG).
Protein change: p.Asp280_Thr283del.
Molecular consequence: inframe deletion. On other transcripts: non-coding transcript variant (2).
Genome position (GRCh38, 1-based): chr11:32,427,993-32,428,004, CGGTGCAGCTGT deleted on the plus strand (ACAGCTGCACCG on the coding strand, the reverse complement: WT1 is on the minus strand); deleting any 12 consecutive bases within chr11:32,427,993-32,428,009 gives the same sequence; the c. name uses the placement nearest the transcript's 3' end. VCF-style (leftmost placement, unchanged base first): chr11-32427992-CCGGTGCAGCTGT-C. GRCh37 (hg19) VCF-style: chr11-32449538-CCGGTGCAGCTGT-C.
Other names: c.839_850del, p.Asp280_Thr283del (NM_000378.6, NM_001407044.1, NM_001407045.1 and 4 more transcripts); c.188_199del, p.Asp63_Thr66del (NM_001198551.2, NM_001198552.2); c.716_727del, p.Asp239_Thr242del (NM_001407047.1, NM_001407050.1); c.77_88del, p.Asp26_Thr29del (NM_001407051.1); c.620_631del, p.Asp207_Thr210del (NM_001429031.1, NM_001429032.1, NM_001429033.1 and 1 more transcripts).
Identifiers: ClinVar variation 3389925 (VCV003389925.14).
Genomic context (GRCh38, chr11:32,427,992, plus strand): 5'-ACGCAGAGCCCAGCGCCTTCCTACCTGCTGTAGGGCGTCCTCAGCAGCAAAGCCTGGCTG[CCGGTGCAGCTGT>C]CGGTGGGGGTGTGGCAGCCATAGACCGGGGGCGGCACCGAGTACTGCTGCTCACCTGCAG-3'